The following is an entry in ClinVar:

ClinVar aggregate classification (germline): Uncertain significance (1 of 4 stars; one submission).

Conditions:
Malignant hyperthermia, susceptibility to, 1 (MHS1). Also called: RYR1-Related Malignant Hyperthermia Susceptibility; Malignant hyperthermia suceptibility 1; Anesthesia related hyperthermia; Malignant hyperpyrexia; Fulminating hyperpyrexia; Pharmacogenic myopathy. Identifiers: Orphanet 423, MedGen C2930980, MONDO:0007783, OMIM 145600.

gnomAD v4.1: 4 of 1,609,586 alleles (0.00025%); highest among the groups gnomAD compares: Non-Finnish European, 0.00034%; no homozygotes.

Submission:

Color Diagnostics, LLC DBA Color Health
Classification: Uncertain significance for Malignant hyperthermia, susceptibility to, 1. Last evaluated: 2025-05-25. Review status: criteria provided, single submitter. Criteria: ACMG Guidelines, 2015. Collection method: clinical testing. Allele origin: germline.
Comment: This missense variant replaces alanine with valine at codon 431 of the RYR1 protein. Computational prediction suggests that this variant may not impact protein structure and function. To our knowledge, functional studies have not been reported for this variant. This variant has not been reported in individuals affected with RYR1-related disorders in the literature. This variant has not been identified in the general population by the Genome Aggregation Database (gnomAD). The available evidence is insufficient to determine the role of this variant in disease conclusively. Therefore, this variant is classified as a Variant of Uncertain Significance.

NM_000540.3(RYR1):c.1292C>T (p.Ala431Val)

Gene: RYR1 (ryanodine receptor 1; plus strand). Cytogenetic location: 19q13.2.
Variant type: single nucleotide variant.
Coding change: c.1292C>T on transcript NM_000540.3 (MANE Select); coding-DNA position 1292, C replaced by T.
Protein change: p.Ala431Val; replaces alanine 431 with valine.
Molecular consequence: missense variant.
Genome position (GRCh38, 1-based): chr19:38,452,866, C>T. VCF-style: chr19-38452866-C-T. GRCh37 (hg19) VCF-style: chr19-38943506-C-T.
Other names: c.1292C>T, p.Ala431Val (NM_001042723.2); short protein forms A431V.
Identifiers: ClinVar variation 4756791 (VCV004756791.1).